The following is an entry in ClinVar:

ClinVar aggregate classification (germline): Conflicting classifications of pathogenicity. Review status: criteria provided, conflicting classifications (1 of 4 stars). 2 submissions from 2 submitters: Uncertain significance (1); Likely benign (1). Last evaluated 2025-09-01.

Allele frequency attached by ClinVar (database versions not stated): 1000 Genomes Project 0.00379; 1000 Genomes Project 30x 0.00390; ExAC 0.00493; ESP Exome Variant Server 0.00500; gnomAD 0.00531 and 0.00533; gnomAD exomes 0.00697.
gnomAD v4.1: 11,079 of 1,613,888 alleles (0.69%); highest among the groups gnomAD compares: Middle Eastern, 1.6%; 2 homozygotes.

Submissions (2):

CeGaT Center for Human Genetics Tuebingen
Classification: Likely benign. Last evaluated: 2025-09-01. Review status: criteria provided, single submitter. Criteria: CeGaT Center For Human Genetics Tuebingen Variant Classification Criteria Version 2. Collection method: clinical testing. Allele origin: germline. Affected: yes. Observed: 3 variant alleles.
Comment: FCGR2B: BP4, BP7

Breakthrough Genomics
Classification: Uncertain significance. Review status: criteria provided, single submitter. Criteria: ACMG Guidelines, 2015. Collection method: not provided. Allele origin: germline. Inheritance: Autosomal dominant inheritance. Affected: yes.

NM_001394477.1(FCGR2B):c.219G>A (p.Gly73=)

Gene: FCGR2B (Fc gamma receptor IIb; plus strand). Cytogenetic location: 1q23.3.
Variant type: single nucleotide variant.
Coding change: c.219G>A on transcript NM_001394477.1 (MANE Select); coding-DNA position 219, G replaced by A.
Protein change: p.Gly73=; no amino-acid change (glycine 73 retained).
Molecular consequence: synonymous variant. On other transcripts: non-coding transcript variant (1).
Genome position (GRCh38, 1-based): chr1:161,671,477, G>A. VCF-style: chr1-161671477-G-A. GRCh37 (hg19) VCF-style: chr1-161641267-G-A.
Other names: c.216G>A, p.Gly72= (NM_001002273.3, NM_001002275.3); c.219G>A, p.Gly73= (NM_001002274.3, NM_001386003.1, NM_001386005.1 and 1 more transcripts); c.198G>A, p.Gly66= (NM_001190828.2, NM_001386001.1, NM_001386006.1); c.195G>A, p.Gly65= (NM_001386000.1, NM_001386002.1, NM_001386004.1).
Identifiers: ClinVar variation 806265 (VCV000806265.43), dbSNP rs144573139, ClinGen allele CA1212677.